The following is an entry in ClinVar:

NM_001352514.2(HLCS):c.946G>T (p.Gly316Cys)

Gene: HLCS (holocarboxylase synthetase; minus strand). Cytogenetic location: 21q22.13.
Variant type: single nucleotide variant.
Coding change: c.946G>T on transcript NM_001352514.2 (MANE Select); coding-DNA position 946, G replaced by T.
Protein change: p.Gly316Cys; replaces glycine 316 with cysteine.
Molecular consequence: missense variant. On other transcripts: non-coding transcript variant (2).
Genome position (GRCh38, 1-based): chr21:36,936,940, C>A on the plus strand (G>T on the coding strand, the complement: HLCS is on the minus strand). VCF-style: chr21-36936940-C-A. GRCh37 (hg19) VCF-style: chr21-38309240-C-A.
Other names: c.505G>T, p.Gly169Cys (NM_000411.8, NM_001242784.3, NM_001242785.2 and 4 more transcripts); short protein forms G169C, G316C.
Identifiers: ClinVar variation 2146901 (VCV002146901.4), dbSNP rs1435870888, ClinGen allele CA409912896.
Genomic context (GRCh38, chr21:36,936,940, plus strand): 5'-AGTCGGCCAGCACAGACCGGACCTCGTGGAACCGGCCGAGGGCTTCCTGGGAGTCGGAGC[C>A]CACATAGAGGAGGATGTTGGGTGCCTTTCCCGTGAGGTTGACTCTCCTCCCTTCTCTTTC-3'
Protein context (NP_001339443.1, residues 306-326): GKAPNILLYV[Gly316Cys]SDSQEALGRF

ClinVar aggregate classification (germline): Uncertain significance (1 of 4 stars; one submission).

Conditions:
Holocarboxylase synthetase deficiency. Also called: MULTIPLE CARBOXYLASE DEFICIENCY, EARLY ONSET. Identifiers: Orphanet 79242, MedGen C0268581, MONDO:0009666, OMIM 253270.

Allele frequency attached by ClinVar (database versions not stated): TOPMed below 0.00001; gnomAD exomes 0.00001.
gnomAD v4.1: 18 of 1,614,122 alleles (0.0011%); highest among the groups gnomAD compares: Non-Finnish European, 0.0015%; no homozygotes.

Submission:

Labcorp Genetics (formerly Invitae), Labcorp
Classification: Uncertain significance for Holocarboxylase synthetase deficiency. Last evaluated: 2023-12-11. Review status: criteria provided, single submitter. Criteria: Invitae Variant Classification Sherloc (09022015). Collection method: clinical testing. Allele origin: germline.
Comment: This sequence change replaces glycine, which is neutral and non-polar, with cysteine, which is neutral and slightly polar, at codon 169 of the HLCS protein (p.Gly169Cys). This variant is not present in population databases (gnomAD no frequency). This variant has not been reported in the literature in individuals affected with HLCS-related conditions. ClinVar contains an entry for this variant (Variation ID: 2146901). Advanced modeling of protein sequence and biophysical properties (such as structural, functional, and spatial information, amino acid conservation, physicochemical variation, residue mobility, and thermodynamic stability) performed at Invitae indicates that this missense variant is expected to disrupt HLCS protein function with a positive predictive value of 80%. In summary, the available evidence is currently insufficient to determine the role of this variant in disease. Therefore, it has been classified as a Variant of Uncertain Significance.